The following is an entry in ClinVar:

ClinVar aggregate classification (germline): Uncertain significance (1 of 4 stars; one submission).

Allele frequency attached by ClinVar (database versions not stated): gnomAD exomes 0.00001.
gnomAD v4.1: 11 of 1,211,171 alleles (0.00091%); highest among the groups gnomAD compares: Non-Finnish European, 0.0012%; no homozygotes.

Submission:

GeneDx
Classification: Uncertain significance. Last evaluated: 2022-06-02. Review status: criteria provided, single submitter. Criteria: GeneDx Variant Classification Process June 2021. Collection method: clinical testing. Allele origin: germline. Affected: yes.
Comment: Not observed at significant frequency in large population cohorts (gnomAD); In silico analysis supports that this missense variant does not alter protein structure/function; Has not been previously published as pathogenic or benign to our knowledge

NM_031206.7(LAS1L):c.1530T>G (p.Ser510Arg)

Gene: LAS1L (LAS1 like ribosome biogenesis factor; minus strand). Cytogenetic location: Xq12.
Variant type: single nucleotide variant.
Coding change: c.1530T>G on transcript NM_031206.7 (MANE Select); coding-DNA position 1530, T replaced by G.
Protein change: p.Ser510Arg; replaces serine 510 with arginine.
Molecular consequence: missense variant. On other transcripts: non-coding transcript variant (1).
Genome position (GRCh38, 1-based): chrX:65,518,384, A>C on the plus strand (T>G on the coding strand, the complement: LAS1L is on the minus strand). VCF-style: chrX-65518384-A-C. GRCh37 (hg19) VCF-style: chrX-64738264-A-C.
Other names: c.1479T>G, p.Ser493Arg (NM_001170649.2, NM_001375333.1); c.1353T>G, p.Ser451Arg (NM_001170650.2); c.1530T>G, p.Ser510Arg (NM_001375328.1); c.573T>G, p.Ser191Arg (NM_001375332.1); short protein forms S191R, S451R, S493R, S510R.
Identifiers: ClinVar variation 1801921 (VCV001801921.1), dbSNP rs2522504997, ClinGen allele CA413315619.